The following is an entry in ClinVar:

NM_000751.3(CHRND):c.1047+3G>A

Gene: CHRND (cholinergic receptor nicotinic delta subunit; plus strand). Cytogenetic location: 2q37.1.
Variant type: single nucleotide variant.
Coding change: c.1047+3G>A on transcript NM_000751.3 (MANE Select); 3 bases into the intron after coding-DNA position 1047, G replaced by A.
Molecular consequence: intron variant.
Genome position (GRCh38, 1-based): chr2:232,531,659, G>A. VCF-style: chr2-232531659-G-A. GRCh37 (hg19) VCF-style: chr2-233396369-G-A.
Other names: c.465+3G>A (NM_001311195.2); c.744+3G>A (NM_001311196.2); c.1002+3G>A (NM_001256657.2).
Identifiers: ClinVar variation 2900384 (VCV002900384.3), dbSNP rs757620438, ClinGen allele CA2168232.

ClinVar aggregate classification (germline): Uncertain significance (1 of 4 stars; one submission).

Conditions:
Lethal multiple pterygium syndrome (LMPS). Identifiers: Orphanet 33108, MedGen C1854678, MONDO:0009668, OMIM 253290.

Allele frequency attached by ClinVar (database versions not stated): ExAC 0.00001; gnomAD 0.00001; TOPMed 0.00002.
gnomAD v4.1: 2 of 1,610,356 alleles (0.00012%); highest among the groups gnomAD compares: African/African-American, 0.0027%; no homozygotes.

Submission:

Labcorp Genetics (formerly Invitae), Labcorp
Classification: Uncertain significance for Lethal multiple pterygium syndrome. Last evaluated: 2023-12-27. Review status: criteria provided, single submitter. Criteria: Invitae Variant Classification Sherloc (09022015). Collection method: clinical testing. Allele origin: germline.
Comment: This sequence change falls in intron 9 of the CHRND gene. It does not directly change the encoded amino acid sequence of the CHRND protein. It affects a nucleotide within the consensus splice site. This variant is present in population databases (rs757620438, gnomAD 0.007%). This variant has not been reported in the literature in individuals affected with CHRND-related conditions. Variants that disrupt the consensus splice site are a relatively common cause of aberrant splicing (PMID: 17576681, 9536098). Algorithms developed to predict the effect of sequence changes on RNA splicing suggest that this variant is not likely to affect RNA splicing. In summary, the available evidence is currently insufficient to determine the role of this variant in disease. Therefore, it has been classified as a Variant of Uncertain Significance.

Literature cited by the submitters: PubMed 17576681; PubMed 9536098.